The following is an entry in ClinVar:

ClinVar aggregate classification (germline): Benign. Review status: criteria provided, multiple submitters, no conflicts (2 of 4 stars). 2 submissions from 2 submitters: Benign (2). Last evaluated 2026-06-23.

Conditions:
FGFR3-related chondrodysplasia. Identifiers: Orphanet 93420, MedGen C5681604, MONDO:0019685.

Allele frequency attached by ClinVar (database versions not stated): gnomAD 0.82366 and 0.82292; TOPMed 0.82475; 1000 Genomes Project 0.85583; 1000 Genomes Project 30x 0.85134.
gnomAD v4.1: 125,130 of 152,188 alleles (82%); highest among the groups gnomAD compares: East Asian, 97%; 51,644 homozygotes.

Submissions (2):

Genomenon, Inc
Classification: Benign for FGFR3-related chondrodysplasia. Last evaluated: 2026-06-23. Review status: criteria provided, single submitter. Criteria: Genomenon Sequence Variant Interpretation Standards - Updated. Collection method: curation. Allele origin: germline. Affected: no.
Comment: FGFR3 c.930+625G>A is an intronic variant located in intron 7. This variant is present at high allele frequency in population databases. We classify FGFR3 c.930+625G>A as a benign variant.

GeneDx
Classification: Benign. Last evaluated: 2018-06-14. Review status: criteria provided, single submitter. Criteria: GeneDx Variant Classification (06012015). Collection method: clinical testing. Allele origin: germline. Affected: yes.
Comment: This variant is considered likely benign or benign based on one or more of the following criteria: it is a conservative change, it occurs at a poorly conserved position in the protein, it is predicted to be benign by multiple in silico algorithms, and/or has population frequency not consistent with disease.

NM_000142.5(FGFR3):c.930+625G>A

Gene: FGFR3 (fibroblast growth factor receptor 3; plus strand). Cytogenetic location: 4p16.3.
Variant type: single nucleotide variant.
Coding change: c.930+625G>A on transcript NM_000142.5 (MANE Select); 625 bases into the intron after coding-DNA position 930, G replaced by A.
Molecular consequence: intron variant.
Genome position (GRCh38, 1-based): chr4:1,802,650, G>A. VCF-style: chr4-1802650-G-A. GRCh37 (hg19) VCF-style: chr4-1804377-G-A.
Other names: c.931-264G>A (NM_001163213.2); c.930+625G>A (NM_001354809.2, NM_001354810.2, NM_022965.4).
Identifiers: ClinVar variation 667904 (VCV000667904.2), dbSNP rs3135878, ClinGen allele CA15314628.